The following is an entry in ClinVar:

ClinVar aggregate classification (germline): Likely benign. Review status: criteria provided, multiple submitters, no conflicts (2 of 4 stars). 4 submissions from 4 submitters: Likely benign (3). 1 of the submissions does not count toward it. Last evaluated 2026-01-27.

Conditions:
PURA-related disorder. Also called: PURA-related condition.
Inborn genetic diseases. Identifiers: MedGen C0950123, MeSH D030342.
PURA-related severe neonatal hypotonia-seizures-encephalopathy syndrome (NEDRIHF). Also called: NEURODEVELOPMENTAL DISORDER WITH NEONATAL RESPIRATORY INSUFFICIENCY, HYPOTONIA, AND FEEDING DIFFICULTIES; PURA-Related Neurodevelopmental Disorders. Identifiers: Orphanet 438213, Orphanet 438216, MedGen C4015357, MONDO:1060108, OMIM 616158, MONDO:0018580.

Submissions (4):

Labcorp Genetics (formerly Invitae), Labcorp
Classification: Likely benign for PURA-related severe neonatal hypotonia-seizures-encephalopathy syndrome. Last evaluated: 2026-01-27. Review status: criteria provided, single submitter. Criteria: Invitae Variant Classification Sherloc (09022015). Collection method: clinical testing. Allele origin: germline.

Blueprint Genetics
Classification: Likely benign. Last evaluated: 2023-12-29. Review status: criteria provided, single submitter. Criteria: ACMG Guidelines, 2015. Collection method: clinical testing. Allele origin: germline.

Ambry Genetics
Classification: Likely benign for Inborn genetic diseases. Last evaluated: 2017-12-28. Review status: criteria provided, single submitter. Criteria: Ambry Variant Classification Scheme 2023. Collection method: clinical testing. Allele origin: germline.

PreventionGenetics, part of Exact Sciences
Classification: Likely benign for PURA-related condition. Last evaluated: 2024-05-23. Review status: no assertion criteria provided. Collection method: clinical testing. Allele origin: germline. Not counted in ClinVar's aggregate classification.
Comment: This variant is classified as likely benign based on ACMG/AMP sequence variant interpretation guidelines (Richards et al. 2015 PMID: 25741868, with internal and published modifications).

NM_005859.5(PURA):c.132CGG[7] (p.Gly48_Gly49dup)

Gene: PURA (purine rich element binding protein A; plus strand). Cytogenetic location: 5q31.3.
Variant type: Microsatellite.
Coding change: c.132CGG[7] on transcript NM_005859.5 (MANE Select); seven copies in a row of the 3-base unit CGG starting at c.132; the reference has five copies in a row; two copies, 6 bases duplicated.
Protein change: p.Gly48_Gly49dup.
Molecular consequence: inframe insertion.
Genome position (GRCh38, 1-based): chr5:140,114,322-140,114,327, CGGCGG duplicated; duplicating any 6 consecutive bases within chr5:140,114,311-140,114,327 gives the same sequence; the position shown is the placement nearest the transcript's 3' end. VCF-style (leftmost placement, unchanged base first): chr5-140114310-T-TGGCGGC. GRCh37 (hg19) VCF-style: chr5-139493895-T-TGGCGGC.
Other names: c.141_146dup6 (NM_005859.4).
Identifiers: ClinVar variation 542077 (VCV000542077.15), dbSNP rs754074166, ClinGen allele CA3437418.